The following is an entry in ClinVar:

NM_001130987.2(DYSF):c.2760dup (p.Lys921fs)

Gene: DYSF (dysferlin; plus strand). Cytogenetic location: 2p13.2.
Variant type: Duplication.
Coding change: c.2760dup on transcript NM_001130987.2 (MANE Select); coding-DNA position 2760, one base duplicated (C; older notation c.2760dupC).
Protein change: p.Lys921fs; shifts the reading frame from lysine 921.
Molecular consequence: frameshift variant.
Genome position (GRCh38, 1-based): chr2:71,568,234, C duplicated; the last of 4 consecutive C bases (chr2:71,568,231-71,568,234); duplicating any one gives the same sequence. VCF-style (leftmost placement, unchanged base first): chr2-71568230-A-AC. GRCh37 (hg19) VCF-style: chr2-71795360-A-AC.
Other names: NM_001130987.2(DYSF):c.2760dup; p.Lys921fs; c.2706dupC (NM_003494.4); c.2709dup, p.Lys904fs (NM_001130455.2, NM_001130983.2); c.2664dup, p.Lys889fs (NM_001130976.2, NM_001130977.2); c.2706dup, p.Lys903fs (NM_001130978.2, NM_003494.4); c.2799dup, p.Lys934fs (NM_001130979.2); c.2757dup, p.Lys920fs (NM_001130980.2, NM_001130981.2); and 3 more; short protein forms K934fs, K890fs, K935fs, K903fs, K904fs, K920fs, K921fs, K889fs.
Identifiers: ClinVar variation 592961 (VCV000592961.62), dbSNP rs1559177278, ClinGen allele CA913189537.

ClinVar aggregate classification (germline): Pathogenic. Review status: reviewed by expert panel (3 of 4 stars). 8 submissions from 8 submitters: Pathogenic (1). 7 of the submissions do not count toward it. Last evaluated 2025-03-19.

Conditions:
Neuromuscular disease caused by qualitative or quantitative defects of dysferlin. Also called: Qualitative or quantitative defects of dysferlin; Dysferlinopathy. Identifiers: Orphanet 207073, MedGen C2931687, MONDO:0016145.
Autosomal recessive limb-girdle muscular dystrophy type 2B (LGMDR2). Also called: MUSCULAR DYSTROPHY, LIMB-GIRDLE, AUTOSOMAL RECESSIVE 2; MUSCULAR DYSTROPHY, LIMB-GIRDLE, TYPE 3; Limb-Girdle Muscular Dystrophy Type 2B (LGMD2B); Limb-girdle muscular dystrophy, type 2B. Identifiers: Orphanet 268, MedGen C1850889, MONDO:0009676, OMIM 253601.
Miyoshi muscular dystrophy 1 (MMD1). Identifiers: Orphanet 45448, MedGen C4551973, MONDO:0024545, OMIM 254130.
Autosomal recessive limb-girdle muscular dystrophy. Identifiers: Orphanet 102015, MedGen C2931907, MONDO:0015152.

Submissions (8):

ClinGen Limb Girdle Muscular Dystrophy Variant Curation Expert Panel, ClinGen
Classification: Pathogenic for Autosomal recessive limb-girdle muscular dystrophy. Last evaluated: 2025-03-19. Review status: reviewed by expert panel. Criteria: ClinGen LGMD VCEP ACMG Specifications DYSF V1.0.0. Collection method: curation. Allele origin: germline. Inheritance: Autosomal recessive inheritance.
Comment: The NM_003494.4: c.2706dup p.(Lys903GlnfsTer4) variant in DYSF, which is also known as NM_001130987.2: c.2760dup p.(Lys921GlnfsTer4), is a frameshift variant predicted to cause a premature stop codon in biologically relevant exon 26/55, leading to nonsense mediated decay in a gene in which loss of function is an established disease mechanism (PVS1). In another patient, it was observed in trans with a likely pathogenic or pathogenic DYSF variant (NM_003494.4: c.4024C>T p.(Arg1342Trp), 1.0 pt, PMID: 21522182, 22616201) (PM3). At least one individual with this variant and a second presumed diagnostic DYSF variant displayed progressive limb girdle muscle weakness as well as absent dysferlin protein expression in skeletal muscle, which is highly specific for DYSF-related LGMD (PMID: 22616201, 21522182; PP4_Strong). This variant is absent from gnomAD v4.1.0 (PM2_Supporting). In summary, this variant meets the criteria to be classified as Pathogenic for autosomal recessive limb girdle muscular dystrophy based on the ACMG/AMP criteria applied, as specified by the ClinGen LGMD VCEP (LGMD VCEP specifications version 1.0.0; 03/19/2025): PVS1, PM3, PP4_Strong, PM2_Supporting.

Genomic Medicine Center of Excellence, King Faisal Specialist Hospital and Research Centre
Classification: Pathogenic for Autosomal recessive limb-girdle muscular dystrophy type 2B. Last evaluated: 2025-09-10. Review status: criteria provided, single submitter. Criteria: ACMG Guidelines, 2015. Collection method: clinical testing. Allele origin: germline. Not counted in ClinVar's aggregate classification.

3billion
Classification: Pathogenic for Miyoshi muscular dystrophy 1. Last evaluated: 2024-12-12. Review status: criteria provided, single submitter. Criteria: ACMG Guidelines, 2015. Collection method: clinical testing. Allele origin: germline. Affected: yes. Not counted in ClinVar's aggregate classification.
Comment: The variant is not observed in the gnomAD v4.1.0 dataset. Predicted Consequence/Location: Frameshift: predicted to result in a loss or disruption of normal protein function through nonsense-mediated decay (NMD) or protein truncation. Multiple pathogenic variants are reported downstream of the variant. The variant has been reported at least twice as pathogenic with clinical assertions and evidence for the classification (ClinVar ID: VCV000592961 /PMID: 21522182). Therefore, this variant is classified as Pathogenic according to the recommendation of ACMG/AMP guideline.

Revvity Omics, Revvity
Classification: Pathogenic. Last evaluated: 2024-10-10. Review status: criteria provided, single submitter. Criteria: ACMG Guidelines, 2015. Collection method: clinical testing. Allele origin: germline. Not counted in ClinVar's aggregate classification.

Labcorp Genetics (formerly Invitae), Labcorp
Classification: Pathogenic for Neuromuscular disease caused by qualitative or quantitative defects of dysferlin. Last evaluated: 2023-09-06. Review status: criteria provided, single submitter. Criteria: Invitae Variant Classification Sherloc (09022015). Collection method: clinical testing. Allele origin: germline. Not counted in ClinVar's aggregate classification.
Comment: This sequence change creates a premature translational stop signal (p.Lys903Glnfs*4) in the DYSF gene. It is expected to result in an absent or disrupted protein product. Loss-of-function variants in DYSF are known to be pathogenic (PMID: 17698709, 20301480). This variant is not present in population databases (gnomAD no frequency). This premature translational stop signal has been observed in individual(s) with DYSF-related conditions (PMID: 21522182, 22616201). ClinVar contains an entry for this variant (Variation ID: 592961). For these reasons, this variant has been classified as Pathogenic.

Kariminejad - Najmabadi Pathology & Genetics Center
Classification: Pathogenic for Autosomal recessive limb-girdle muscular dystrophy type 2B. Last evaluated: 2023-01-18. Review status: criteria provided, single submitter. Criteria: ACMG Guidelines, 2015. Collection method: clinical testing. Allele origin: germline. Inheritance: Autosomal recessive inheritance. Affected: yes. Observed: 2 variant alleles. Not counted in ClinVar's aggregate classification.
Comment: PVS1, PM2, PP5

CeGaT Center for Human Genetics Tuebingen
Classification: Pathogenic. Last evaluated: 2022-05-01. Review status: criteria provided, single submitter. Criteria: CeGaT Center For Human Genetics Tuebingen Variant Classification Criteria Version 2. Collection method: clinical testing. Allele origin: germline. Affected: yes. Observed: 1 variant allele. Not counted in ClinVar's aggregate classification.
Comment: DYSF: PVS1, PM2, PM3:Supporting, PP4

Eurofins Ntd Llc (ga)
Classification: Pathogenic. Last evaluated: 2017-09-08. Review status: criteria provided, single submitter. Criteria: EGL Classification Definitions 2015. Collection method: clinical testing. Allele origin: germline. Observed: 1 variant allele, 1 homozygote. Not counted in ClinVar's aggregate classification.

Literature cited by the submitters: PubMed 21522182 (cited by 3billion and Labcorp Genetics (formerly Invitae), Labcorp); PubMed 17698709 (cited by Labcorp Genetics (formerly Invitae), Labcorp); PubMed 20301480 (cited by Labcorp Genetics (formerly Invitae), Labcorp); PubMed 22616201 (cited by Labcorp Genetics (formerly Invitae), Labcorp).